The following is an entry in ClinVar:

NM_033026.6(PCLO):c.4513A>G (p.Thr1505Ala)

Gene: PCLO (piccolo presynaptic cytomatrix protein; minus strand). Cytogenetic location: 7q21.11.
Variant type: single nucleotide variant.
Coding change: c.4513A>G on transcript NM_033026.6 (MANE Select); coding-DNA position 4513, A replaced by G.
Protein change: p.Thr1505Ala; replaces threonine 1505 with alanine.
Molecular consequence: missense variant.
Genome position (GRCh38, 1-based): chr7:82,956,440, T>C on the plus strand (A>G on the coding strand, the complement: PCLO is on the minus strand). VCF-style: chr7-82956440-T-C. GRCh37 (hg19) VCF-style: chr7-82585756-T-C.
Other names: c.4513A>G, p.Thr1505Ala (NM_014510.3); short protein forms T1505A.
Identifiers: ClinVar variation 1355578 (VCV001355578.5), dbSNP rs764748863, ClinGen allele CA4320811.

ClinVar aggregate classification (germline): Uncertain significance (1 of 4 stars; one submission).

Allele frequency attached by ClinVar (database versions not stated): gnomAD exomes 0.00001 and 0.00004; ExAC 0.00002; gnomAD 0.00003; TOPMed 0.00003.
gnomAD v4.1: 24 of 1,613,656 alleles (0.0015%); highest among the groups gnomAD compares: Admixed American, 0.023%; no homozygotes.

Submission:

Labcorp Genetics (formerly Invitae), Labcorp
Classification: Uncertain significance. Last evaluated: 2022-10-20. Review status: criteria provided, single submitter. Criteria: Invitae Variant Classification Sherloc (09022015). Collection method: clinical testing. Allele origin: germline.
Comment: This sequence change replaces threonine, which is neutral and polar, with alanine, which is neutral and non-polar, at codon 1505 of the PCLO protein (p.Thr1505Ala). This variant is present in population databases (rs764748863, gnomAD 0.03%). This variant has not been reported in the literature in individuals affected with PCLO-related conditions. ClinVar contains an entry for this variant (Variation ID: 1355578). Algorithms developed to predict the effect of missense changes on protein structure and function output the following: SIFT: "Tolerated"; PolyPhen-2: "Not Available"; Align-GVGD: "Class C0". The alanine amino acid residue is found in multiple mammalian species, which suggests that this missense change does not adversely affect protein function. In summary, the available evidence is currently insufficient to determine the role of this variant in disease. Therefore, it has been classified as a Variant of Uncertain Significance.